The following is an entry in ClinVar:

NM_001177316.2(SLC34A3):c.334_336del (p.Asn112del)

Gene: SLC34A3 (solute carrier family 34 member 3; plus strand). Cytogenetic location: 9q34.3.
Variant type: Deletion.
Coding change: c.334_336del on transcript NM_001177316.2 (MANE Select); coding-DNA positions 334 to 336, 3 bases deleted (AAC; older notation c.334_336delAAC).
Protein change: p.Asn112del; deletes asparagine 112.
Molecular consequence: inframe deletion.
Genome position (GRCh38, 1-based): chr9:137,232,813-137,232,815, AAC deleted; deleting any 3 consecutive bases within chr9:137,232,811-137,232,815 gives the same sequence; the c. name uses the placement nearest the transcript's 3' end. VCF-style (leftmost placement, unchanged base first): chr9-137232810-GACA-G. GRCh37 (hg19) VCF-style: chr9-140127262-GACA-G.
Other names: c.334_336del, p.Asn112del (NM_001177317.2, NM_080877.3); short protein forms N112del.
Identifiers: ClinVar variation 2834606 (VCV002834606.3), dbSNP rs2538802229, ClinGen allele CA2692803099.

ClinVar aggregate classification (germline): Uncertain significance (1 of 4 stars; one submission).

Submission:

Labcorp Genetics (formerly Invitae), Labcorp
Classification: Uncertain significance. Last evaluated: 2023-09-11. Review status: criteria provided, single submitter. Criteria: Invitae Variant Classification Sherloc (09022015). Collection method: clinical testing. Allele origin: germline.
Comment: In summary, the available evidence is currently insufficient to determine the role of this variant in disease. Therefore, it has been classified as a Variant of Uncertain Significance. Experimental studies and prediction algorithms are not available or were not evaluated, and the functional significance of this variant is currently unknown. This variant has not been reported in the literature in individuals affected with SLC34A3-related conditions. This variant is not present in population databases (gnomAD no frequency). This variant, c.334_336del, results in the deletion of 1 amino acid(s) of the SLC34A3 protein (p.Asn112del), but otherwise preserves the integrity of the reading frame.